The following is an entry in ClinVar:

ClinVar aggregate classification (germline): Likely pathogenic. Review status: criteria provided, multiple submitters, no conflicts (2 of 4 stars). 2 submissions from 2 submitters: Likely pathogenic (2). Last evaluated 2025-04-03.

Conditions:
Dilated cardiomyopathy 1G (CMD1G). Identifiers: Orphanet 154, MedGen C1858763, MONDO:0011400, OMIM 604145.
Autosomal recessive limb-girdle muscular dystrophy type 2J (LGMDR10). Also called: MUSCULAR DYSTROPHY, LIMB-GIRDLE, AUTOSOMAL RECESSIVE 10; Limb-girdle muscular dystrophy, type 2J. Identifiers: Orphanet 140922, MedGen C1837342, MONDO:0012127, OMIM 608807.

Allele frequency attached by ClinVar (database versions not stated): TOPMed below 0.00001.

Submissions (2):

Labcorp Genetics (formerly Invitae), Labcorp
Classification: Likely pathogenic for Dilated cardiomyopathy 1G; Autosomal recessive limb-girdle muscular dystrophy type 2J. Last evaluated: 2025-04-03. Review status: criteria provided, single submitter. Criteria: Invitae Variant Classification Sherloc (09022015). Collection method: clinical testing. Allele origin: germline.
Comment: This sequence change affects a donor splice site in intron 204 of the TTN gene. It is expected to disrupt RNA splicing and likely results in a truncated or disrupted TTN protein. This variant is not present in population databases (gnomAD no frequency). This variant has not been reported in the literature in individuals affected with TTN-related conditions. ClinVar contains an entry for this variant (Variation ID: 2682466). Algorithms developed to predict the effect of sequence changes on RNA splicing suggest that this variant may disrupt the consensus splice site. This variant is located in the I band of TTN (PMID: 25589632). Truncating variants in this region have been reported in individuals affected with autosomal recessive centronuclear myopathy (PMID: 23975875, internal data). Truncating variants in this region have also been identified in individuals affected with autosomal dominant dilated cardiomyopathy and/or cardio-related conditions (PMID: 27869827, 32964742, internal data). In summary, the currently available evidence indicates that the variant is pathogenic, but additional data are needed to prove that conclusively. Therefore, this variant has been classified as Likely Pathogenic.

Women's Health and Genetics/Laboratory Corporation of America, LabCorp
Classification: Likely pathogenic for Autosomal recessive limb-girdle muscular dystrophy type 2J. Last evaluated: 2025-01-28. Review status: criteria provided, single submitter. Criteria: LabCorp Variant Classification Summary - May 2015. Collection method: clinical testing. Allele origin: germline.
Comment: Variant summary: TTN c.31993+1G>C is located in a canonical splice-site and is predicted to affect mRNA splicing resulting in a significantly altered protein due to either exon skipping, shortening, or inclusion of intronic material. Variants that disrupt the consensus splice site are a relatively common cause of aberrant splicing and loss of TTN function. Loss of function variants in all TTN bands are strongly associated with a spectrum of autosomal recessive titinopathies when exon expression (proportion spliced in, PSI, 1=complete expression) in skeletal muscle is >0.1 (PMID: 36977548, 39198997, 29598826, 32778822, 29691892, 33449170, 36977548, internal data). In contrast, loss of function variants in all TTN bands are only strongly associated with autosomal dominant TTN-related cardiomyopathies if located in exons constitutively expressed (PSI >0.9) in cardiac muscle, excluding extreme C-terminal exons 359-363 (PMID: 25589632, 31216868, 32964742, 34662387, 27869827, Shetty et al., Nat Cardiovasc Res 2024,, internal data). This variant has a maximum skeletal muscle PSI of 0.536 and a maximum cardiac muscle PSI of 0.117. Several computational tools predict a significant impact on normal splicing: Four predict the variant abolishes a 5' splicing donor site. One predicts the variant weakens a cryptic 3' acceptor site. However, these predictions have yet to be confirmed by functional studies. The variant was absent in 248836 control chromosomes. To our knowledge, no occurrence of c.31993+1G>C in individuals affected with TTN-related conditions and no experimental evidence demonstrating its impact on protein function have been reported. ClinVar contains an entry for this variant (Variation ID: 2682466). Based on the evidence outline above, the variant has been classified as Likely Pathogenic for autosomal recessive TTN-related conditions.

Literature cited by the submitters: PubMed 25589632 (cited by Labcorp Genetics (formerly Invitae), Labcorp); PubMed 23975875 (cited by Labcorp Genetics (formerly Invitae), Labcorp); PubMed 27869827 (cited by Labcorp Genetics (formerly Invitae), Labcorp); PubMed 32964742 (cited by Labcorp Genetics (formerly Invitae), Labcorp).

NM_001267550.2(TTN):c.39295+1G>C

Gene: TTN (titin; minus strand). Cytogenetic location: 2q31.2.
Variant type: single nucleotide variant.
Coding change: c.39295+1G>C on transcript NM_001267550.2 (MANE Select); the canonical splice donor site of the intron after coding-DNA position 39295, G replaced by C.
Molecular consequence: splice donor variant. On other transcripts: intron variant (3).
Genome position (GRCh38, 1-based): chr2:178,652,095, C>G on the plus strand (G>C on the coding strand, the complement: TTN is on the minus strand). VCF-style: chr2-178652095-C-G. GRCh37 (hg19) VCF-style: chr2-179516822-C-G.
Other names: c.34774+1G>C (NM_001256850.1); c.13283-9778G>C (NM_003319.4); c.13859-9778G>C (NM_133437.4); c.13658-9778G>C (NM_133432.3); c.31993+1G>C (NM_133378.4).
Identifiers: ClinVar variation 2682466 (VCV002682466.5), dbSNP rs2063099465, ClinGen allele CA349458980.